The following is an entry in ClinVar:

NM_004006.3(DMD):c.8858C>A (p.Ala2953Asp)

Gene: DMD (dystrophin; minus strand). Cytogenetic location: Xp21.2.
Variant type: single nucleotide variant.
Coding change: c.8858C>A on transcript NM_004006.3 (MANE Select); coding-DNA position 8858, C replaced by A.
Protein change: p.Ala2953Asp; replaces alanine 2953 with aspartic acid.
Molecular consequence: missense variant.
Genome position (GRCh38, 1-based): chrX:31,478,185, G>T on the plus strand (C>A on the coding strand, the complement: DMD is on the minus strand). VCF-style: chrX-31478185-G-T. GRCh37 (hg19) VCF-style: chrX-31496302-G-T.
Other names: c.8834C>A, p.Ala2945Asp (NM_000109.4); c.8846C>A, p.Ala2949Asp (NM_004009.3); c.8489C>A, p.Ala2830Asp (NM_004010.3); c.4835C>A, p.Ala1612Asp (NM_004011.4); c.4826C>A, p.Ala1609Asp (NM_004012.4); c.1478C>A, p.Ala493Asp (NM_004013.3, NM_004020.4, NM_004021.3 and 2 more transcripts); c.671C>A, p.Ala224Asp (NM_004014.3); short protein forms A2953D, A1609D, A1612D, A2949D, A493D, A2830D, A2945D, A224D.
Identifiers: ClinVar variation 571602 (VCV000571602.9), dbSNP rs773941387, ClinGen allele CA10377975.
Genomic context (GRCh38, chrX:31,478,185, plus strand): 5'-TCTTGGAGAGAGTCAATGAGGAGATCGCCCACGGGCTGCCAGGATCCCTTGATCACCTCA[G>T]CTTGGCGCAGCTTGAGGTCCAGCTCATCCGTGGCCTCTTGAAGTTCCCGGAGTCTTTCAA-3'
Protein context (NP_003997.2, residues 2943-2963): TDELDLKLRQ[Ala2953Asp]EVIKGSWQPV

ClinVar aggregate classification (germline): Uncertain significance. Review status: criteria provided, multiple submitters, no conflicts (2 of 4 stars). 3 submissions from 3 submitters: Uncertain significance (2). 1 of the submissions does not count toward it. Last evaluated 2022-08-31.

Conditions:
Cardiovascular phenotype. Identifiers: MedGen CN230736.
Dystrophin deficiency.
Cardiomyopathy (CMYO). Also called: Cardiomyopathies. Identifiers: Orphanet 167848, MedGen C0878544, MONDO:0004994, HP:0001638. Inheritance: Various modes of inheritance.
Becker muscular dystrophy (BMD). Also called: Becker Muscular Dystrophy (BMD); MUSCULAR DYSTROPHY, PSEUDOHYPERTROPHIC PROGRESSIVE, BECKER TYPE. Identifiers: Orphanet 98895, MedGen C0917713, MONDO:0010311, OMIM 300376.
Duchenne muscular dystrophy (DMD). Also called: Duchenne Muscular Dystrophy (DMD); MUSCULAR DYSTROPHY, PSEUDOHYPERTROPHIC PROGRESSIVE, DUCHENNE TYPE. Identifiers: Orphanet 98896, MedGen C0013264, MONDO:0010679, OMIM 310200.

Allele frequency attached by ClinVar (database versions not stated): ExAC 0.00001; gnomAD exomes 0.00001.
gnomAD v4.1: 10 of 1,210,738 alleles (0.00083%); highest among the groups gnomAD compares: Admixed American, 0.0022%; no homozygotes.

Submissions (3):

Ambry Genetics
Classification: Uncertain significance for Cardiovascular phenotype. Last evaluated: 2022-08-31. Review status: criteria provided, single submitter. Criteria: Ambry Variant Classification Scheme 2023. Collection method: clinical testing. Allele origin: germline.
Comment: The p.A2953D variant (also known as c.8858C>A), located in coding exon 59 of the DMD gene, results from a C to A substitution at nucleotide position 8858. The alanine at codon 2953 is replaced by aspartic acid, an amino acid with dissimilar properties. Based on data from gnomAD, the A allele has an overall frequency of 0.0006% (1/181600) total alleles studied, with 0 hemizygote(s) observed. The highest observed frequency was 0.0037% (1/27262) of Latino alleles. This amino acid position is highly conserved in available vertebrate species. In addition, this alteration is predicted to be deleterious by in silico analysis. Since supporting evidence is limited at this time, the clinical significance of this alteration remains unclear.

Labcorp Genetics (formerly Invitae), Labcorp
Classification: Uncertain significance for Duchenne muscular dystrophy. Last evaluated: 2022-08-24. Review status: criteria provided, single submitter. Criteria: Invitae Variant Classification Sherloc (09022015). Collection method: clinical testing. Allele origin: germline.
Comment: This sequence change replaces alanine, which is neutral and non-polar, with aspartic acid, which is acidic and polar, at codon 2953 of the DMD protein (p.Ala2953Asp). The frequency data for this variant in the population databases is considered unreliable, as metrics indicate poor data quality at this position in the gnomAD database. This variant has not been reported in the literature in individuals affected with DMD-related conditions. ClinVar contains an entry for this variant (Variation ID: 571602). Algorithms developed to predict the effect of missense changes on protein structure and function (SIFT, PolyPhen-2, Align-GVGD) all suggest that this variant is likely to be disruptive. In summary, the available evidence is currently insufficient to determine the role of this variant in disease. Therefore, it has been classified as a Variant of Uncertain Significance.

Natera, Inc.
Classification: Uncertain significance for Becker muscular dystrophy; Cardiomyopathy; Duchenne muscular dystrophy; Dystrophin deficiency. Last evaluated: 2018-09-16. Review status: no assertion criteria provided. Collection method: clinical testing. Allele origin: germline. Not counted in ClinVar's aggregate classification.